The following is an entry in ClinVar:

ClinVar aggregate classification (germline): Uncertain significance (1 of 4 stars; one submission).

Submission:

CeGaT Center for Human Genetics Tuebingen
Classification: Uncertain significance. Last evaluated: 2023-12-01. Review status: criteria provided, single submitter. Criteria: CeGaT Center For Human Genetics Tuebingen Variant Classification Criteria Version 2. Collection method: clinical testing. Allele origin: germline. Affected: yes. Observed: 1 variant allele.
Comment: DNAAF1: PM2, BP4

NM_178452.6(DNAAF1):c.1376A>C (p.Asp459Ala)

Gene: DNAAF1 (dynein axonemal assembly factor 1; plus strand). Cytogenetic location: 16q24.1.
Variant type: single nucleotide variant.
Coding change: c.1376A>C on transcript NM_178452.6 (MANE Select); coding-DNA position 1376, A replaced by C.
Protein change: p.Asp459Ala; replaces aspartic acid 459 with alanine.
Molecular consequence: missense variant.
Genome position (GRCh38, 1-based): chr16:84,170,204, A>C. VCF-style: chr16-84170204-A-C. GRCh37 (hg19) VCF-style: chr16-84203810-A-C.
Other names: c.668A>C, p.Asp223Ala (NM_001318756.1); short protein forms D223A, D459A.
Identifiers: ClinVar variation 3026963 (VCV003026963.22), dbSNP rs2507471714, ClinGen allele CA396948320.
Genomic context (GRCh38, chr16:84,170,204, plus strand): 5'-AGGGGACCCTCCCAGCTGAGGCCCCACCACCCCCGCCACCTGTGGAGGTTAAAGGAGAGG[A>C]TGGAGATCAAGAGCCAGAGGGGACCCTCCCAGCTGAGACCCTGCTACTGTCACCGCCTGT-3'
Protein context (NP_848547.4, residues 449-469): PPPPVEVKGE[Asp459Ala]GDQEPEGTLP